The following is an entry in ClinVar:

NM_080732.4(EGLN2):c.69G>C (p.Glu23Asp)

Genes: EGLN2 (egl-9 family hypoxia inducible factor 2; plus strand), RAB4B-EGLN2 (RAB4B-EGLN2 readthrough (NMD candidate); plus strand). Cytogenetic location: 19q13.2.
Variant type: single nucleotide variant.
Coding change: c.69G>C on transcript NM_080732.4 (MANE Select); coding-DNA position 69, G replaced by C.
Protein change: p.Glu23Asp; replaces glutamic acid 23 with aspartic acid.
Molecular consequence: missense variant. On other transcripts: non-coding transcript variant (1).
Genome position (GRCh38, 1-based): chr19:40,800,641, G>C. VCF-style: chr19-40800641-G-C. GRCh37 (hg19) VCF-style: chr19-41306546-G-C.
Other names: c.69G>C, p.Glu23Asp (NM_053046.4); short protein forms E23D.
Identifiers: ClinVar variation 1756574 (VCV001756574.2), dbSNP rs890136062, ClinGen allele CA405954501.

ClinVar aggregate classification (germline): Uncertain significance (1 of 4 stars; one submission).

gnomAD v4.1: 1 of 1,613,944 alleles (0.000062%); highest among the groups gnomAD compares: Non-Finnish European, 0.000085%; no homozygotes.

Submission:

Ambry Genetics
Classification: Uncertain significance. Last evaluated: 2021-12-05. Review status: criteria provided, single submitter. Criteria: Ambry Variant Classification Scheme 2023. Collection method: clinical testing. Allele origin: germline.
Comment: The p.E23D variant (also known as c.69G>C), located in coding exon 1 of the EGLN2 gene, results from a G to C substitution at nucleotide position 69. The glutamic acid at codon 23 is replaced by aspartic acid, an amino acid with highly similar properties. This amino acid position is conserved. In addition, this alteration is predicted to be tolerated by in silico analysis. Since supporting evidence is limited at this time, the clinical significance of this alteration remains unclear.